The following is an entry in ClinVar:

ClinVar aggregate classification (germline): Uncertain significance. Review status: criteria provided, multiple submitters, no conflicts (2 of 4 stars). 2 submissions from 2 submitters: Uncertain significance (2). Last evaluated 2024-12-16.

Allele frequency attached by ClinVar (database versions not stated): gnomAD 0.00001 and 0.00002; ExAC 0.00002; gnomAD exomes 0.00002 and 0.00005; TOPMed 0.00002.
gnomAD v4.1: 66 of 1,584,272 alleles (0.0042%); highest among the groups gnomAD compares: Non-Finnish European, 0.0055%; no homozygotes.

Submissions (2):

Ambry Genetics
Classification: Uncertain significance. Last evaluated: 2024-12-16. Review status: criteria provided, single submitter. Criteria: Ambry Variant Classification Scheme 2023. Collection method: clinical testing. Allele origin: germline.
Comment: The p.F328Y variant (also known as c.983T>A), located in coding exon 8 of the GEN1 gene, results from a T to A substitution at nucleotide position 983. The phenylalanine at codon 328 is replaced by tyrosine, an amino acid with highly similar properties. This amino acid position is conserved. In addition, this alteration is predicted to be tolerated by in silico analysis. Based on the available evidence, the clinical significance of this variant remains unclear.

Labcorp Genetics (formerly Invitae), Labcorp
Classification: Uncertain significance. Last evaluated: 2024-04-15. Review status: criteria provided, single submitter. Criteria: Invitae Variant Classification Sherloc (09022015). Collection method: clinical testing. Allele origin: germline.
Comment: This sequence change replaces phenylalanine, which is neutral and non-polar, with tyrosine, which is neutral and polar, at codon 328 of the GEN1 protein (p.Phe328Tyr). This variant is present in population databases (rs775024514, gnomAD 0.006%). This variant has not been reported in the literature in individuals affected with GEN1-related conditions. ClinVar contains an entry for this variant (Variation ID: 1008972). An algorithm developed to predict the effect of missense changes on protein structure and function (PolyPhen-2) suggests that this variant is likely to be disruptive. In summary, the available evidence is currently insufficient to determine the role of this variant in disease. Therefore, it has been classified as a Variant of Uncertain Significance.

NM_001130009.3(GEN1):c.983T>A (p.Phe328Tyr)

Gene: GEN1 (GEN1 structure-specific endonuclease; plus strand). Cytogenetic location: 2p24.2.
Variant type: single nucleotide variant.
Coding change: c.983T>A on transcript NM_001130009.3 (MANE Select); coding-DNA position 983, T replaced by A.
Protein change: p.Phe328Tyr; replaces phenylalanine 328 with tyrosine.
Molecular consequence: missense variant.
Genome position (GRCh38, 1-based): chr2:17,773,125, T>A. VCF-style: chr2-17773125-T-A. GRCh37 (hg19) VCF-style: chr2-17954392-T-A.
Other names: c.983T>A (NM_001130009.1); c.983T>A, p.Phe328Tyr (NM_182625.5); short protein forms F328Y.
Identifiers: ClinVar variation 1008972 (VCV001008972.10), dbSNP rs775024514, ClinGen allele CA1540628.
Genomic context (GRCh38, chr2:17,773,125, plus strand): 5'-AGTAATAACATGTATATAATTTTTTTTTCAGGAAAGCTTGCTGTTGTGAGGGATTCCCAT[T>A]CCATGAGGTAATATCCAGTAATTCAACTCTATTAATTTTAGAAACTTTCTTAAAAGTTTA-3'
Protein context (NP_001123481.3, residues 318-338): KKACCCEGFP[Phe328Tyr]HEVIQEFLLN